The following is an entry in ClinVar:

ClinVar aggregate classification (germline): Uncertain significance (1 of 4 stars; one submission).

Conditions:
Zellweger spectrum disorders (ZS). Also called: Zellweger Spectrum Disorder (ZSD); Zellweger syndrome; Zellweger Spectrum Disorder; Zellweger Spectrum. Identifiers: Orphanet 912, MedGen C0043459, MONDO:0019609.

gnomAD v4.1: 13 of 1,595,636 alleles (0.00081%); highest among the groups gnomAD compares: Non-Finnish European, 0.0011%; no homozygotes.

Submission:

Labcorp Genetics (formerly Invitae), Labcorp
Classification: Uncertain significance for Zellweger spectrum disorders. Last evaluated: 2022-01-14. Review status: criteria provided, single submitter. Criteria: Invitae Variant Classification Sherloc (09022015). Collection method: clinical testing. Allele origin: germline.
Comment: This sequence change replaces glycine, which is neutral and non-polar, with alanine, which is neutral and non-polar, at codon 12 of the PEX1 protein (p.Gly12Ala). This variant is not present in population databases (gnomAD no frequency). This variant has not been reported in the literature in individuals affected with PEX1-related conditions. Algorithms developed to predict the effect of missense changes on protein structure and function output the following: SIFT: "Tolerated"; PolyPhen-2: "Benign"; Align-GVGD: "Class C0". The alanine amino acid residue is found in multiple mammalian species, which suggests that this missense change does not adversely affect protein function. In summary, the available evidence is currently insufficient to determine the role of this variant in disease. Therefore, it has been classified as a Variant of Uncertain Significance.

NM_000466.3(PEX1):c.35G>C (p.Gly12Ala)

Genes: PEX1 (peroxisomal biogenesis factor 1; minus strand), LOC129998796 (ATAC-STARR-seq lymphoblastoid silent region 18372; plus strand). Cytogenetic location: 7q21.2.
Variant type: single nucleotide variant.
Coding change: c.35G>C on transcript NM_000466.3 (MANE Select); coding-DNA position 35, G replaced by C.
Protein change: p.Gly12Ala; replaces glycine 12 with alanine.
Molecular consequence: missense variant. On other transcripts: 5 prime UTR variant (1).
Genome position (GRCh38, 1-based): chr7:92,528,401, C>G on the plus strand (G>C on the coding strand, the complement: PEX1 is on the minus strand). VCF-style: chr7-92528401-C-G. GRCh37 (hg19) VCF-style: chr7-92157715-C-G.
Other names: c.35G>C, p.Gly12Ala (NM_001282677.2); c.-625G>C (NM_001282678.2); short protein forms G12A.
Identifiers: ClinVar variation 1391441 (VCV001391441.5), dbSNP rs747408581, ClinGen allele CA161981812.
Genomic context (GRCh38, chr7:92,528,401, plus strand): 5'-GGCAGGTGGAGGAAGCAGTCGCGAGCGTTGGTGAAGGCCACAGTCACTGCCGCCCCGCCT[C>G]CCCCAGCACCCGCCAGGCGATCGCTGCCCCACATCGTCCCGGAGCGTCGCTCTGGGTTCG-3'
Protein context (NP_000457.1, residues 2-22): WGSDRLAGAG[Gly12Ala]GGAAVTVAFT